The following is an entry in ClinVar:

ClinVar aggregate classification (germline): Likely pathogenic (1 of 4 stars; one submission).

Conditions:
MELANESIAN BLOND HAIR (SHEP11). Also called: Skin/hair/eye pigmentation, variation in, 11; SKIN/HAIR/EYE PIGMENTATION 11, BLUE/NONBLUE EYES. Identifiers: MedGen C2677086, OMIM 612271.
Oculocutaneous albinism type 3 (OCA3). Also called: RUFOUS OCULOCUTANEOUS ALBINISM; Albinism, oculocutaneous, type III; Rufous OCA; Rufous albinism; XANTHISM; ALBINISM III. Identifiers: Orphanet 79433, MedGen C0342683, MONDO:0008747, OMIM 203290.

Submission:

Juno Genomics, Hangzhou Juno Genomics, Inc
Classification: Likely pathogenic for MELANESIAN BLOND HAIR; Oculocutaneous albinism type 3. Review status: criteria provided, single submitter. Criteria: ACMG Guidelines, 2015. Collection method: clinical testing. Allele origin: germline. Affected: yes.
Comment: Absent from controls (or at extremely low frequency if recessive) in Genome Aggregation Database, Exome Sequencing Project, 1000 Genomes Project, or Exome Aggregation Consortium.;Null variant in a gene where loss of function (LOF) is a known mechanism of disease.

NM_000550.3(TYRP1):c.985G>T (p.Glu329Ter)

Genes: LURAP1L-AS1 (LURAP1L antisense RNA 1; minus strand), TYRP1 (tyrosinase related protein 1; plus strand). Cytogenetic location: 9p23.
Variant type: single nucleotide variant.
Coding change: c.985G>T on transcript NM_000550.3 (MANE Select); coding-DNA position 985, G replaced by T.
Protein change: p.Glu329Ter; replaces glutamic acid 329 with a stop codon.
Molecular consequence: nonsense.
Genome position (GRCh38, 1-based): chr9:12,702,342, G>T. VCF-style: chr9-12702342-G-T. GRCh37 (hg19) VCF-style: chr9-12702342-G-T.
Other names: short protein forms E329*.
Identifiers: ClinVar variation 3382144 (VCV003382144.2).
Genomic context (GRCh38, chr9:12,702,342, plus strand): 5'-GGGCCAATTAGGAGAAATCCAGCTGGAAATGTGGCCAGACCAATGGTGCAACGTCTTCCT[G>T]AACCACAGGATGTCGCTCAGTGCTTGGAAGTTGGTTTATTTGACACGCCTCCTTTTTATT-3'